The following is an entry in ClinVar:

NM_001024630.4(RUNX2):c.199C>T (p.Gln67Ter)

Genes: RUNX2 (RUNX family transcription factor 2; plus strand), LOC109611589 (runt related transcription factor 2 polyalanine expansion region; plus strand). Cytogenetic location: 6p21.1.
Variant type: single nucleotide variant.
Coding change: c.199C>T on transcript NM_001024630.4 (MANE Select); coding-DNA position 199, C replaced by T.
Protein change: p.Gln67Ter; replaces glutamine 67 with a stop codon.
Molecular consequence: nonsense.
Genome position (GRCh38, 1-based): chr6:45,422,733, C>T. VCF-style: chr6-45422733-C-T. GRCh37 (hg19) VCF-style: chr6-45390470-C-T.
Other names: c.199C>T, p.Gln67Ter (NM_001015051.4); c.157C>T, p.Gln53Ter (NM_001278478.2, NM_001369405.1, NM_004348.3); short protein forms Q53*, Q67*.
Identifiers: ClinVar variation 2734875 (VCV002734875.3), dbSNP rs1582094334, ClinGen allele CA363957867.

ClinVar aggregate classification (germline): Pathogenic (1 of 4 stars; one submission).

Submission:

Labcorp Genetics (formerly Invitae), Labcorp
Classification: Pathogenic. Last evaluated: 2023-01-07. Review status: criteria provided, single submitter. Criteria: Invitae Variant Classification Sherloc (09022015). Collection method: clinical testing. Allele origin: germline.
Comment: Experimental studies have shown that this premature translational stop signal affects RUNX2 function (PMID: 28738062). This sequence change creates a premature translational stop signal (p.Gln67*) in the RUNX2 gene. It is expected to result in an absent or disrupted protein product. Loss-of-function variants in RUNX2 are known to be pathogenic (PMID: 10521292, 11857736). This variant is not present in population databases (gnomAD no frequency). This premature translational stop signal has been observed in individual(s) with cleidocranial dysplasia (PMID: 28738062). Algorithms developed to predict the effect of variants on protein structure and function are not available or were not evaluated for this variant. For these reasons, this variant has been classified as Pathogenic.

Literature cited by the submitters: PubMed 28738062; PubMed 10521292; PubMed 11857736.